The following is an entry in ClinVar:

NM_005618.4(DLL1):c.280C>A (p.Leu94Met)

Gene: DLL1 (delta like canonical Notch ligand 1; minus strand). Cytogenetic location: 6q27.
Variant type: single nucleotide variant.
Coding change: c.280C>A on transcript NM_005618.4 (MANE Select); coding-DNA position 280, C replaced by A.
Protein change: p.Leu94Met; replaces leucine 94 with methionine.
Molecular consequence: missense variant.
Genome position (GRCh38, 1-based): chr6:170,289,583, G>T on the plus strand (C>A on the coding strand, the complement: DLL1 is on the minus strand). VCF-style: chr6-170289583-G-T. GRCh37 (hg19) VCF-style: chr6-170598671-G-T.
Other names: short protein forms L94M.
Identifiers: ClinVar variation 3907893 (VCV003907893.1).

ClinVar aggregate classification (germline): Uncertain significance (1 of 4 stars; one submission).

Submission:

GeneDx
Classification: Uncertain significance. Last evaluated: 2024-12-23. Review status: criteria provided, single submitter. Criteria: GeneDx Variant Classification Process June 2021. Collection method: clinical testing. Allele origin: germline. Affected: yes.
Comment: Not observed at significant frequency in large population cohorts (gnomAD); In silico analysis indicates that this missense variant does not alter protein structure/function; Has not been previously published as pathogenic or benign to our knowledge